The following is an entry in ClinVar:

NM_000088.4(COL1A1):c.1452del (p.Gly485fs)

Gene: COL1A1 (collagen type I alpha 1 chain; minus strand). Cytogenetic location: 17q21.33.
Variant type: Deletion.
Coding change: c.1452del on transcript NM_000088.4 (MANE Select); coding-DNA position 1452, one base deleted (T; older notation c.1452delT).
Protein change: p.Gly485fs; shifts the reading frame from glycine 485.
Molecular consequence: frameshift variant.
Genome position (GRCh38, 1-based): chr17:50,194,730, A deleted on the plus strand (T on the coding strand, the reverse complement: COL1A1 is on the minus strand). VCF-style (leftmost placement, unchanged base first): chr17-50194729-CA-C. GRCh37 (hg19) VCF-style: chr17-48272090-CA-C.
Other names: short protein forms G485fs.
Identifiers: ClinVar variation 597595 (VCV000597595.11), dbSNP rs72648346, ClinGen allele CA291545437.

ClinVar aggregate classification (germline): Pathogenic. Review status: criteria provided, multiple submitters, no conflicts (2 of 4 stars). 2 submissions from 2 submitters: Pathogenic (2). Last evaluated 2021-08-02.

Conditions:
Osteogenesis imperfecta type I (OI1). Also called: Lobstein disease; Classic Non-deforming Osteogenesis Imperfecta with Blue Sclerae; OI, TYPE I; OSTEOGENESIS IMPERFECTA TARDA; OSTEOGENESIS IMPERFECTA WITH BLUE SCLERAE; Osteogenesis imperfecta type 1. Identifiers: Orphanet 216796, Orphanet 666, MedGen C0023931, MONDO:0008146, OMIM 166200. Disease mechanism: loss of function.

Submissions (2):

Labcorp Genetics (formerly Invitae), Labcorp
Classification: Pathogenic for Osteogenesis imperfecta type I. Last evaluated: 2021-08-02. Review status: criteria provided, single submitter. Criteria: Invitae Variant Classification Sherloc (09022015). Collection method: clinical testing. Allele origin: germline.
Comment: For these reasons, this variant has been classified as Pathogenic. ClinVar contains an entry for this variant (Variation ID: 597595). This premature translational stop signal has been observed in individual(s) with osteogenesis imperfecta (PMID: 11317364). This variant is not present in population databases (ExAC no frequency). This sequence change creates a premature translational stop signal (p.Gly485Alafs*56) in the COL1A1 gene. It is expected to result in an absent or disrupted protein product. Loss-of-function variants in COL1A1 are known to be pathogenic (PMID: 7942841, 9295084, 9443882).

Eurofins Ntd Llc (ga)
Classification: Pathogenic. Last evaluated: 2018-06-26. Review status: criteria provided, single submitter. Criteria: EGL ClinVar v180209 classification definitions. Collection method: clinical testing. Allele origin: germline. Observed: 1 variant allele, 1 heterozygote.

Literature cited by the submitters: PubMed 11317364 (cited by Labcorp Genetics (formerly Invitae), Labcorp and Eurofins Ntd Llc (ga)); PubMed 7942841 (cited by Labcorp Genetics (formerly Invitae), Labcorp); PubMed 9295084 (cited by Labcorp Genetics (formerly Invitae), Labcorp); PubMed 9443882 (cited by Labcorp Genetics (formerly Invitae), Labcorp).